The following is an entry in ClinVar:

NM_006218.4(PIK3CA):c.881A>G (p.Tyr294Cys)

Gene: PIK3CA (phosphatidylinositol-4,5-bisphosphate 3-kinase catalytic subunit alpha; plus strand). Cytogenetic location: 3q26.32.
Variant type: single nucleotide variant.
Coding change: c.881A>G on transcript NM_006218.4 (MANE Select); coding-DNA position 881, A replaced by G.
Protein change: p.Tyr294Cys; replaces tyrosine 294 with cysteine.
Molecular consequence: missense variant.
Genome position (GRCh38, 1-based): chr3:179,203,611, A>G. VCF-style: chr3-179203611-A-G. GRCh37 (hg19) VCF-style: chr3-178921399-A-G.
Other names: short protein forms Y294C.
Identifiers: ClinVar variation 1764771 (VCV001764771.2), dbSNP rs2108392742, ClinGen allele CA355280084.

ClinVar aggregate classification (germline): Uncertain significance (1 of 4 stars; one submission).

Conditions:
Inborn genetic diseases. Identifiers: MedGen C0950123, MeSH D030342.

Submission:

Ambry Genetics
Classification: Uncertain significance for Inborn genetic diseases. Last evaluated: 2022-03-07. Review status: criteria provided, single submitter. Criteria: Ambry Variant Classification Scheme 2023. Collection method: clinical testing. Allele origin: germline.
Comment: The p.Y294C variant (also known as c.881A>G), located in coding exon 4 of the PIK3CA gene, results from an A to G substitution at nucleotide position 881. The tyrosine at codon 294 is replaced by cysteine, an amino acid with highly dissimilar properties. This amino acid position is conserved. In addition, the in silico prediction for this alteration is inconclusive. Since supporting evidence is limited at this time, the clinical significance of this alteration remains unclear.